The following is an entry in ClinVar:

ClinVar aggregate classification (germline): Benign. Review status: criteria provided, multiple submitters, no conflicts (2 of 4 stars). 5 submissions from 5 submitters: Benign (5). Last evaluated 2026-01-13.

Allele frequency attached by ClinVar (database versions not stated): gnomAD exomes 0.00293; ExAC 0.00382; 1000 Genomes Project 0.01018; 1000 Genomes Project 30x 0.01062; gnomAD 0.01161 and 0.01256; TOPMed 0.01277; ESP Exome Variant Server 0.01453.
gnomAD v4.1: 3,325 of 1,614,134 alleles (0.21%); highest among the groups gnomAD compares: African/African-American, 4%; 66 homozygotes.

Submissions (34):

Labcorp Genetics (formerly Invitae), Labcorp
Classification: Benign. Last evaluated: 2026-01-13. Review status: criteria provided, single submitter. Criteria: Invitae Variant Classification Sherloc (09022015). Collection method: clinical testing. Allele origin: germline.

Mayo Clinic Laboratories, Mayo Clinic
Classification: Benign. Last evaluated: 2024-10-24. Review status: criteria provided, single submitter. Criteria: ACMG Guidelines, 2015. Collection method: clinical testing. Allele origin: germline. Observed: 1 variant allele.
Comment: BA1, BS2

GeneDx
Classification: Benign. Last evaluated: 2018-07-26. Review status: criteria provided, single submitter. Criteria: GeneDx Variant Classification Process June 2021. Collection method: clinical testing. Allele origin: germline. Affected: yes.

Laboratory for Molecular Medicine, Mass General Brigham Personalized Medicine
Classification: Benign. Last evaluated: 2017-08-23. Review status: criteria provided, single submitter. Criteria: LMM Criteria. Collection method: clinical testing. Allele origin: germline. Observed: 2 variant alleles.
Comment: p.Ser72Ser in exon 4 of OSBPL2: This variant is not expected to have clinical si gnificance because it does not alter an amino acid residue, is not located withi n the splice consensus sequence, and has been identified in 4.28% (445/10390) of African chromosomes by the Exome Aggregation Consortium (ExAC; dbSNP rs35907950).

Breakthrough Genomics
Classification: Benign. Review status: criteria provided, single submitter. Criteria: ACMG Guidelines, 2015. Collection method: not provided. Allele origin: germline. Inheritance: Autosomal dominant inheritance. Affected: yes.

Dr. Peter K. Rogan Lab, Western University
No classification provided (evidence only). Condition: Clear cell carcinoma of kidney. Review status: no classification provided. Collection method: in vitro. Allele origin: not applicable. Functional consequence: retained intron. Not counted in ClinVar's aggregate classification.

Dr. Peter K. Rogan Lab, Western University
No classification provided (evidence only). Condition: Clear cell carcinoma of kidney. Review status: no classification provided. Collection method: in vitro. Allele origin: not applicable. Functional consequence: retained intron. Not counted in ClinVar's aggregate classification.

Dr. Peter K. Rogan Lab, Western University
No classification provided (evidence only). Condition: Clear cell carcinoma of kidney. Review status: no classification provided. Collection method: in vitro. Allele origin: not applicable. Functional consequence: retained intron. Not counted in ClinVar's aggregate classification.

Dr. Peter K. Rogan Lab, Western University
No classification provided (evidence only). Condition: Clear cell carcinoma of kidney. Review status: no classification provided. Collection method: in vitro. Allele origin: not applicable. Functional consequence: retained intron. Not counted in ClinVar's aggregate classification.

Dr. Peter K. Rogan Lab, Western University
No classification provided (evidence only). Condition: Lung cancer. Review status: no classification provided. Collection method: in vitro. Allele origin: not applicable. Functional consequence: retained intron. Not counted in ClinVar's aggregate classification.

Dr. Peter K. Rogan Lab, Western University
No classification provided (evidence only). Condition: Acute myeloid leukemia. Review status: no classification provided. Collection method: in vitro. Allele origin: not applicable. Functional consequence: retained intron. Not counted in ClinVar's aggregate classification.

Dr. Peter K. Rogan Lab, Western University
No classification provided (evidence only). Condition: Acute myeloid leukemia. Review status: no classification provided. Collection method: in vitro. Allele origin: not applicable. Functional consequence: retained intron. Not counted in ClinVar's aggregate classification.

Dr. Peter K. Rogan Lab, Western University
No classification provided (evidence only). Condition: Acute myeloid leukemia. Review status: no classification provided. Collection method: in vitro. Allele origin: not applicable. Functional consequence: retained intron. Not counted in ClinVar's aggregate classification.

Dr. Peter K. Rogan Lab, Western University
No classification provided (evidence only). Condition: Uterine corpus endometrial carcinoma. Review status: no classification provided. Collection method: in vitro. Allele origin: not applicable. Functional consequence: retained intron. Not counted in ClinVar's aggregate classification.

Dr. Peter K. Rogan Lab, Western University
No classification provided (evidence only). Condition: Uterine corpus endometrial carcinoma. Review status: no classification provided. Collection method: in vitro. Allele origin: not applicable. Functional consequence: retained intron. Not counted in ClinVar's aggregate classification.

Dr. Peter K. Rogan Lab, Western University
No classification provided (evidence only). Condition: Uterine corpus endometrial carcinoma. Review status: no classification provided. Collection method: in vitro. Allele origin: not applicable. Functional consequence: retained intron. Not counted in ClinVar's aggregate classification.

Dr. Peter K. Rogan Lab, Western University
No classification provided (evidence only). Condition: Uterine corpus endometrial carcinoma. Review status: no classification provided. Collection method: in vitro. Allele origin: not applicable. Functional consequence: retained intron. Not counted in ClinVar's aggregate classification.

Dr. Peter K. Rogan Lab, Western University
No classification provided (evidence only). Condition: Uterine corpus endometrial carcinoma. Review status: no classification provided. Collection method: in vitro. Allele origin: not applicable. Functional consequence: retained intron. Not counted in ClinVar's aggregate classification.

Dr. Peter K. Rogan Lab, Western University
No classification provided (evidence only). Condition: Cervical cancer. Review status: no classification provided. Collection method: in vitro. Allele origin: not applicable. Functional consequence: retained intron. Not counted in ClinVar's aggregate classification.

Dr. Peter K. Rogan Lab, Western University
No classification provided (evidence only). Condition: Cervical cancer. Review status: no classification provided. Collection method: in vitro. Allele origin: not applicable. Functional consequence: retained intron. Not counted in ClinVar's aggregate classification.

Dr. Peter K. Rogan Lab, Western University
No classification provided (evidence only). Condition: Cervical cancer. Review status: no classification provided. Collection method: in vitro. Allele origin: not applicable. Functional consequence: retained intron. Not counted in ClinVar's aggregate classification.

Dr. Peter K. Rogan Lab, Western University
No classification provided (evidence only). Condition: Cervical cancer. Review status: no classification provided. Collection method: in vitro. Allele origin: not applicable. Functional consequence: retained intron. Not counted in ClinVar's aggregate classification.

Dr. Peter K. Rogan Lab, Western University
No classification provided (evidence only). Condition: Cervical cancer. Review status: no classification provided. Collection method: in vitro. Allele origin: not applicable. Functional consequence: retained intron. Not counted in ClinVar's aggregate classification.

Dr. Peter K. Rogan Lab, Western University
No classification provided (evidence only). Condition: Cervical cancer. Review status: no classification provided. Collection method: in vitro. Allele origin: not applicable. Functional consequence: retained intron. Not counted in ClinVar's aggregate classification.

Dr. Peter K. Rogan Lab, Western University
No classification provided (evidence only). Condition: Sarcoma. Review status: no classification provided. Collection method: in vitro. Allele origin: not applicable. Functional consequence: retained intron. Not counted in ClinVar's aggregate classification.

Dr. Peter K. Rogan Lab, Western University
No classification provided (evidence only). Condition: Hepatocellular carcinoma. Review status: no classification provided. Collection method: in vitro. Allele origin: not applicable. Functional consequence: retained intron. Not counted in ClinVar's aggregate classification.

Dr. Peter K. Rogan Lab, Western University
No classification provided (evidence only). Condition: Thymoma. Review status: no classification provided. Collection method: in vitro. Allele origin: not applicable. Functional consequence: retained intron. Not counted in ClinVar's aggregate classification.

Dr. Peter K. Rogan Lab, Western University
No classification provided (evidence only). Condition: Cholangiocarcinoma. Review status: no classification provided. Collection method: in vitro. Allele origin: not applicable. Functional consequence: retained intron. Not counted in ClinVar's aggregate classification.

Dr. Peter K. Rogan Lab, Western University
No classification provided (evidence only). Condition: Ovarian serous cystadenocarcinoma. Review status: no classification provided. Collection method: in vitro. Allele origin: not applicable. Functional consequence: retained intron. Not counted in ClinVar's aggregate classification.

Dr. Peter K. Rogan Lab, Western University
No classification provided (evidence only). Condition: Gastric cancer. Review status: no classification provided. Collection method: in vitro. Allele origin: not applicable. Functional consequence: retained intron. Not counted in ClinVar's aggregate classification.

Dr. Peter K. Rogan Lab, Western University
No classification provided (evidence only). Condition: Gastric cancer. Review status: no classification provided. Collection method: in vitro. Allele origin: not applicable. Functional consequence: retained intron. Not counted in ClinVar's aggregate classification.

Dr. Peter K. Rogan Lab, Western University
No classification provided (evidence only). Condition: Gastric cancer. Review status: no classification provided. Collection method: in vitro. Allele origin: not applicable. Functional consequence: retained intron. Not counted in ClinVar's aggregate classification.

Dr. Peter K. Rogan Lab, Western University
No classification provided (evidence only). Condition: Gastric cancer. Review status: no classification provided. Collection method: in vitro. Allele origin: not applicable. Functional consequence: retained intron. Not counted in ClinVar's aggregate classification.

Dr. Peter K. Rogan Lab, Western University
No classification provided (evidence only). Condition: Malignant tumor of esophagus. Review status: no classification provided. Collection method: in vitro. Allele origin: not applicable. Functional consequence: retained intron. Not counted in ClinVar's aggregate classification.

NM_144498.4(OSBPL2):c.216C>T (p.Ser72=)

Gene: OSBPL2 (oxysterol binding protein like 2; plus strand). Cytogenetic location: 20q13.33.
Variant type: single nucleotide variant.
Coding change: c.216C>T on transcript NM_144498.4 (MANE Select); coding-DNA position 216, C replaced by T.
Protein change: p.Ser72=; no amino-acid change (serine 72 retained).
Molecular consequence: synonymous variant. On other transcripts: 5 prime UTR variant (2).
Genome position (GRCh38, 1-based): chr20:62,263,649, C>T. VCF-style: chr20-62263649-C-T. GRCh37 (hg19) VCF-style: chr20-60838705-C-T.
Other names: p.Ser72=; c.-151C>T (NM_001278649.3, NM_001363878.2); c.180C>T, p.Ser60= (NM_014835.5); c.216C>T (NM_144498.3).
Identifiers: ClinVar variation 667054 (VCV000667054.21), dbSNP rs35907950, ClinGen allele CA9938381.